The following is an entry in ClinVar:

ClinVar aggregate classification (germline): Benign (0 of 4 stars; one submission).

Conditions:
ZSCAN29-related disorder. Also called: ZSCAN29-related condition.

Allele frequency attached by ClinVar (database versions not stated): 1000 Genomes Project 30x 0.02826; 1000 Genomes Project 0.02835; gnomAD 0.05292; TOPMed 0.05383; ESP Exome Variant Server 0.05485; ExAC 0.05585.
gnomAD v4.1: 108,613 of 1,614,122 alleles (6.7%); highest among the groups gnomAD compares: Non-Finnish European, 7.7%; 4,165 homozygotes.

Submission:

PreventionGenetics, part of Exact Sciences
Classification: Benign for ZSCAN29-related condition. Last evaluated: 2019-10-21. Review status: no assertion criteria provided. Collection method: clinical testing. Allele origin: germline.
Comment: This variant is classified as benign based on ACMG/AMP sequence variant interpretation guidelines (Richards et al. 2015 PMID: 25741868, with internal and published modifications).

NM_001372080.1(ZSCAN29):c.2181C>T (p.Ile727=)

Gene: ZSCAN29 (zinc finger and SCAN domain containing 29; minus strand). Cytogenetic location: 15q15.3.
Variant type: single nucleotide variant.
Coding change: c.2181C>T on transcript NM_001372080.1 (MANE Select); coding-DNA position 2181, C replaced by T.
Protein change: p.Ile727=; no amino-acid change (isoleucine 727 retained).
Molecular consequence: synonymous variant.
Genome position (GRCh38, 1-based): chr15:43,361,451, G>A on the plus strand (C>T on the coding strand, the complement: ZSCAN29 is on the minus strand). VCF-style: chr15-43361451-G-A. GRCh37 (hg19) VCF-style: chr15-43653649-G-A.
Other names: c.2181C>T, p.Ile727= (NM_152455.4).
Identifiers: ClinVar variation 3060359 (VCV003060359.2), dbSNP rs62019445, ClinGen allele CA7523123.